The following is an entry in ClinVar:

NC_000002.11:g.(44153101_44161328)_(44184591_44187679)dup

Gene: LRPPRC (leucine rich pentatricopeptide repeat containing; minus strand). Cytogenetic location: 2p21.
Variant type: Duplication.
Identifiers: ClinVar variation 4688861 (VCV004688861.1).

ClinVar aggregate classification (germline): Likely pathogenic (1 of 4 stars; one submission).

Conditions:
Congenital lactic acidosis, Saguenay-Lac-Saint-Jean type (MC4DN5). Also called: MITOCHONDRIAL COMPLEX IV DEFICIENCY, NUCLEAR TYPE 5; CYTOCHROME c OXIDASE DEFICIENCY, FRENCH CANADIAN TYPE; COX DEFICIENCY, FRENCH CANADIAN TYPE. Identifiers: Orphanet 70472, MedGen C1857355, MONDO:0009069, OMIM 220111.

Submission:

Women's Health and Genetics/Laboratory Corporation of America, LabCorp
Classification: Likely pathogenic for Congenital lactic acidosis, Saguenay-Lac-Saint-Jean type. Last evaluated: 2025-12-31. Review status: criteria provided, single submitter. Criteria: LabCorp Variant Classification Summary - May 2015. Collection method: clinical testing. Allele origin: germline.
Comment: Variant summary: The variant involves the duplication of exons 14-25 in the LRPPRC gene. A presumed nomenclature of c.(1582+1_1583-1)_(2736+1_2737-1)dup has been designated for the purposes of this classification. It is assumed to be a tandem duplication in direct orientation (PMIDs: 25640679, 30054569). This Copy Number Variant (CNV) is expected to alter the reading frame and predicted to result in a truncation or absence of the encoded protein due to nonsense mediated decay (NMD). Loss-of-function variants in this gene are known to be pathogenic. The variant was absent in 21694 control chromosomes. To our knowledge, no occurrence of c.(1582+1_1583-1)_(2736+1_2737-1)dup in individuals affected with LRPPRC-related conditions and no experimental evidence demonstrating its impact on protein function have been reported. No submitters have cited clinical-significance assessments for this variant to ClinVar. Based on the evidence outlined above, the variant was classified as likely pathogenic.